The following is an entry in ClinVar:

ClinVar aggregate classification (germline): Uncertain significance (1 of 4 stars; one submission).

gnomAD v4.1: 4 of 1,614,232 alleles (0.00025%); highest among the groups gnomAD compares: Non-Finnish European, 0.00034%; no homozygotes.

Submission:

Labcorp Genetics (formerly Invitae), Labcorp
Classification: Uncertain significance. Last evaluated: 2022-10-17. Review status: criteria provided, single submitter. Criteria: Invitae Variant Classification Sherloc (09022015). Collection method: clinical testing. Allele origin: germline.
Comment: In summary, the available evidence is currently insufficient to determine the role of this variant in disease. Therefore, it has been classified as a Variant of Uncertain Significance. Advanced modeling of protein sequence and biophysical properties (such as structural, functional, and spatial information, amino acid conservation, physicochemical variation, residue mobility, and thermodynamic stability) performed at Invitae indicates that this missense variant is not expected to disrupt RBBP8 protein function. This variant has not been reported in the literature in individuals affected with RBBP8-related conditions. This variant is not present in population databases (gnomAD no frequency). This sequence change replaces alanine, which is neutral and non-polar, with proline, which is neutral and non-polar, at codon 538 of the RBBP8 protein (p.Ala538Pro).

NM_002894.3(RBBP8):c.1612G>C (p.Ala538Pro)

Gene: RBBP8 (RB binding protein 8, endonuclease; plus strand). Cytogenetic location: 18q11.2.
Variant type: single nucleotide variant.
Coding change: c.1612G>C on transcript NM_002894.3 (MANE Select); coding-DNA position 1612, G replaced by C.
Protein change: p.Ala538Pro; replaces alanine 538 with proline.
Molecular consequence: missense variant.
Genome position (GRCh38, 1-based): chr18:22,993,439, G>C. VCF-style: chr18-22993439-G-C. GRCh37 (hg19) VCF-style: chr18-20573402-G-C.
Other names: c.1612G>C, p.Ala538Pro (NM_203291.2, NM_203292.2); short protein forms A538P.
Identifiers: ClinVar variation 1936822 (VCV001936822.5), dbSNP rs2510788568, ClinGen allele CA401778602.